The following is an entry in ClinVar:

ClinVar aggregate classification (germline): Pathogenic (1 of 4 stars; one submission).

Conditions:
Primary ciliary dyskinesia. Also called: Ciliary dyskinesia. Identifiers: Orphanet 244, MedGen C0008780, MONDO:0016575, HP:0012265.

Submission:

Labcorp Genetics (formerly Invitae), Labcorp
Classification: Pathogenic for Primary ciliary dyskinesia. Last evaluated: 2024-04-14. Review status: criteria provided, single submitter. Criteria: Invitae Variant Classification Sherloc (09022015). Collection method: clinical testing. Allele origin: germline.
Comment: This sequence change creates a premature translational stop signal (p.Pro4201Serfs*14) in the DNAH11 gene. It is expected to result in an absent or disrupted protein product. Loss-of-function variants in DNAH11 are known to be pathogenic (PMID: 18022865, 20513915, 22184204). This variant is not present in population databases (gnomAD no frequency). This variant has not been reported in the literature in individuals affected with DNAH11-related conditions. For these reasons, this variant has been classified as Pathogenic.

Literature cited by the submitters: PubMed 18022865; PubMed 20513915; PubMed 22184204.

NM_001277115.2(DNAH11):c.12600dup (p.Pro4201fs)

Gene: DNAH11 (dynein axonemal heavy chain 11; plus strand). Cytogenetic location: 7p15.3.
Variant type: Duplication.
Coding change: c.12600dup on transcript NM_001277115.2 (MANE Select); coding-DNA position 12600, one base duplicated (T; older notation c.12600dupT).
Protein change: p.Pro4201fs; shifts the reading frame from proline 4201.
Molecular consequence: frameshift variant.
Genome position (GRCh38, 1-based): chr7:21,892,517, T duplicated. VCF-style (leftmost placement, unchanged base first): chr7-21892516-C-CT. GRCh37 (hg19) VCF-style: chr7-21932134-C-CT.
Other names: short protein forms P4201fs.
Identifiers: ClinVar variation 3667916 (VCV003667916.2).